The following is an entry in ClinVar:

NM_005148.4(UNC119):c.503G>A (p.Arg168His)

Gene: UNC119 (unc-119 lipid binding chaperone; minus strand). Cytogenetic location: 17q11.2.
Variant type: single nucleotide variant.
Coding change: c.503G>A on transcript NM_005148.4 (MANE Select); coding-DNA position 503, G replaced by A.
Protein change: p.Arg168His; replaces arginine 168 with histidine.
Molecular consequence: missense variant.
Genome position (GRCh38, 1-based): chr17:28,547,784, C>T on the plus strand (G>A on the coding strand, the complement: UNC119 is on the minus strand). VCF-style: chr17-28547784-C-T. GRCh37 (hg19) VCF-style: chr17-26874802-C-T.
Other names: c.218G>A, p.Arg73His (NM_001330166.2); c.503G>A, p.Arg168His (NM_054035.2); short protein forms R168H, R73H.
Identifiers: ClinVar variation 999864 (VCV000999864.5), dbSNP rs140667534, ClinGen allele CA8459762.
Genomic context (GRCh38, chr17:28,547,784, plus strand): 5'-TTCTTGCTGCTGGGGATGCAGAAGCCAAAGTGGAAGTCGAAGCTTTTGAGTAGCTGGTTG[C>T]GGAAGTAGTGCCTCTCGATCATGCGGAAGTTGTTGACAGGCTTGTCTCCCACTGTGAACT-3'
Protein context (NP_005139.1, residues 158-178): NFRMIERHYF[Arg168His]NQLLKSFDFH

ClinVar aggregate classification (germline): Uncertain significance (1 of 4 stars; one submission).

Allele frequency attached by ClinVar (database versions not stated): gnomAD 0.00001 and 0.00002; gnomAD exomes 0.00001.

Submission:

Labcorp Genetics (formerly Invitae), Labcorp
Classification: Uncertain significance. Last evaluated: 2022-06-09. Review status: criteria provided, single submitter. Criteria: Invitae Variant Classification Sherloc (09022015). Collection method: clinical testing. Allele origin: germline.
Comment: This sequence change replaces arginine, which is basic and polar, with histidine, which is basic and polar, at codon 168 of the UNC119 protein (p.Arg168His). This variant is present in population databases (rs140667534, gnomAD 0.003%). This variant has not been reported in the literature in individuals affected with UNC119-related conditions. ClinVar contains an entry for this variant (Variation ID: 999864). Algorithms developed to predict the effect of missense changes on protein structure and function are either unavailable or do not agree on the potential impact of this missense change (SIFT: "Not Available"; PolyPhen-2: "Probably Damaging"; Align-GVGD: "Not Available"). In summary, the available evidence is currently insufficient to determine the role of this variant in disease. Therefore, it has been classified as a Variant of Uncertain Significance.